The following is an entry in ClinVar:

NM_021614.4(KCNN2):c.1831C>A (p.Leu611Ile)

Genes: KCNN2 (potassium calcium-activated channel subfamily N member 2; plus strand), LOC101927078 (uncharacterized LOC101927078; minus strand). Cytogenetic location: 5q22.3.
Variant type: single nucleotide variant.
Coding change: c.1831C>A on transcript NM_021614.4 (MANE Select); coding-DNA position 1831, C replaced by A.
Protein change: p.Leu611Ile; replaces leucine 611 with isoleucine.
Molecular consequence: missense variant. On other transcripts: non-coding transcript variant (2).
Genome position (GRCh38, 1-based): chr5:114,473,105, C>A. VCF-style: chr5-114473105-C-A. GRCh37 (hg19) VCF-style: chr5-113808802-C-A.
Other names: c.2029C>A, p.Leu677Ile (NM_001372233.1); c.151C>A, p.Leu51Ile (NM_170775.3); short protein forms L677I, L611I, L51I.
Identifiers: ClinVar variation 2207510 (VCV002207510.2), dbSNP rs1233079885, ClinGen allele CA360704698.
Genomic context (GRCh38, chr5:114,473,105, plus strand): 5'-TGTTTTCAGGGTGCTGGTTGCACAGCCCTGGTGGTAGCTGTAGTGGCAAGGAAGCTAGAA[C>A]TTACCAAAGCAGAAAAACACGTGCACAATTTCATGATGGATACTCAGCTGACTAAAAGAG-3'
Protein context (NP_067627.3, residues 601-621): VVAVVARKLE[Leu611Ile]TKAEKHVHNF

ClinVar aggregate classification (germline): Uncertain significance (1 of 4 stars; one submission).

Conditions:
Inborn genetic diseases. Identifiers: MedGen C0950123, MeSH D030342.

Submission:

Ambry Genetics
Classification: Uncertain significance for Inborn genetic diseases. Last evaluated: 2021-07-30. Review status: criteria provided, single submitter. Criteria: Ambry Variant Classification Scheme 2023. Collection method: clinical testing. Allele origin: germline.
Comment: The c.1195C>A (p.L399I) alteration is located in coding exon 5 of the KCNN2 gene. This alteration results from a C to A substitution at nucleotide position 1195, causing the leucine (L) at amino acid position 399 to be replaced by an isoleucine (I). Based on data from the Genome Aggregation Database (gnomAD), the KCNN2 c.1195C>A alteration was not observed, with coverage at this position. This amino acid position is highly conserved in available vertebrate species. The in silico prediction for the p.L399I alteration is inconclusive. Based on insufficient or conflicting evidence, the clinical significance of this alteration remains unclear.